The following is an entry in ClinVar:

NM_000350.3(ABCA4):c.2258C>A (p.Thr753Asn)

Gene: ABCA4 (ATP binding cassette subfamily A member 4; minus strand). Cytogenetic location: 1p22.1.
Variant type: single nucleotide variant.
Coding change: c.2258C>A on transcript NM_000350.3 (MANE Select); coding-DNA position 2258, C replaced by A.
Protein change: p.Thr753Asn; replaces threonine 753 with asparagine.
Molecular consequence: missense variant.
Genome position (GRCh38, 1-based): chr1:94,056,725, G>T on the plus strand (C>A on the coding strand, the complement: ABCA4 is on the minus strand). VCF-style: chr1-94056725-G-T. GRCh37 (hg19) VCF-style: chr1-94522281-G-T.
Other names: short protein forms T753N.
Identifiers: ClinVar variation 1715624 (VCV001715624.5), dbSNP rs1660993873, ClinGen allele CA341277910.
Genomic context (GRCh38, chr1:94,056,725, plus strand): 5'-TAGAGGGTGAAATAGATGACACCACTACAGGCTGCTGCCAGACTGGCCTTGGAGAAGAAG[G>T]TGCTGAGCAGAAAGCACAGCATGATGGTGGCAGTGGAGAAAGCCAACAAGAACAGGAAGA-3'
Protein context (NP_000341.2, residues 743-763): ATIMLCFLLS[Thr753Asn]FFSKASLAAA

ClinVar aggregate classification (germline): Uncertain significance (1 of 4 stars; one submission).

Submission:

Labcorp Genetics (formerly Invitae), Labcorp
Classification: Uncertain significance. Last evaluated: 2022-08-08. Review status: criteria provided, single submitter. Criteria: Invitae Variant Classification Sherloc (09022015). Collection method: clinical testing. Allele origin: germline.
Comment: This sequence change replaces threonine, which is neutral and polar, with asparagine, which is neutral and polar, at codon 753 of the ABCA4 protein (p.Thr753Asn). Advanced modeling of protein sequence and biophysical properties (such as structural, functional, and spatial information, amino acid conservation, physicochemical variation, residue mobility, and thermodynamic stability) performed at Invitae indicates that this missense variant is expected to disrupt ABCA4 protein function. In summary, the available evidence is currently insufficient to determine the role of this variant in disease. Therefore, it has been classified as a Variant of Uncertain Significance. This variant has not been reported in the literature in individuals affected with ABCA4-related conditions. This variant is not present in population databases (gnomAD no frequency).